The following is an entry in ClinVar:

NM_001355436.2(SPTB):c.457ATC[1] (p.Ile154del)

Gene: SPTB (spectrin beta, erythrocytic; minus strand). Cytogenetic location: 14q23.3.
Variant type: Microsatellite.
Coding change: c.457ATC[1] on transcript NM_001355436.2 (MANE Select); one copy of the 3-base unit ATC starting at c.457; the reference has two copies in a row; one copy, 3 bases deleted.
Protein change: p.Ile154del; deletes isoleucine 154.
Molecular consequence: inframe deletion.
Genome position (GRCh38, 1-based): chr14:64,803,619-64,803,621, GAT deleted on the plus strand (ATC on the coding strand, the reverse complement: SPTB is on the minus strand); deleting any 3 consecutive bases within chr14:64,803,619-64,803,625 gives the same sequence; the position shown is the placement nearest the transcript's 3' end. VCF-style (leftmost placement, unchanged base first): chr14-64803618-GGAT-G. GRCh37 (hg19) VCF-style: chr14-65270336-GGAT-G.
Other names: c.457ATC[1], p.Ile154del (NM_001024858.4, NM_001355437.2); short protein forms I154del.
Identifiers: ClinVar variation 2762499 (VCV002762499.3), dbSNP rs2503219800, ClinGen allele CA2697554052.

ClinVar aggregate classification (germline): Uncertain significance (1 of 4 stars; one submission).

Submission:

Labcorp Genetics (formerly Invitae), Labcorp
Classification: Uncertain significance. Last evaluated: 2023-09-21. Review status: criteria provided, single submitter. Criteria: Invitae Variant Classification Sherloc (09022015). Collection method: clinical testing. Allele origin: germline.
Comment: In summary, the available evidence is currently insufficient to determine the role of this variant in disease. Therefore, it has been classified as a Variant of Uncertain Significance. This variant, c.460_462del, results in the deletion of 1 amino acid(s) of the SPTB protein (p.Ile154del), but otherwise preserves the integrity of the reading frame. This variant is not present in population databases (gnomAD no frequency). This variant has not been reported in the literature in individuals affected with SPTB-related conditions. Experimental studies and prediction algorithms are not available or were not evaluated, and the functional significance of this variant is currently unknown.